The following is an entry in ClinVar:

ClinVar aggregate classification (germline): Conflicting classifications of pathogenicity. Review status: criteria provided, conflicting classifications (1 of 4 stars). 6 submissions from 6 submitters: Pathogenic (5); Uncertain significance (1). Last evaluated 2025-08-29.

Conditions:
Hypophosphatasia. Also called: Phosphoethanol-aminuria. Identifiers: Orphanet 436, MedGen C0020630, MeSH D007014, MONDO:0018570.
Adult hypophosphatasia. Identifiers: Orphanet 247676, Orphanet 436, MedGen C0268413, MONDO:1010154, OMIM 146300, MONDO:0007798.
Childhood hypophosphatasia. Identifiers: Orphanet 247667, Orphanet 436, MedGen C0220743, MONDO:1010168, OMIM 241510, MONDO:0009428.
Infantile hypophosphatasia. Identifiers: Orphanet 247651, Orphanet 436, MedGen C0268412, MONDO:1010169, OMIM 241500, MONDO:0009427.

Allele frequency attached by ClinVar (database versions not stated): TOPMed 0.00001; gnomAD 0.00001; gnomAD exomes 0.00001; ExAC 0.00002.
gnomAD v4.1: 17 of 1,613,984 alleles (0.0011%); highest among the groups gnomAD compares: Non-Finnish European, 0.0014%; no homozygotes.

Submissions (6):

Genomenon, Inc
Classification: Pathogenic for Hypophosphatasia. Last evaluated: 2025-08-29. Review status: criteria provided, single submitter. Criteria: Genomenon Sequence Variant Interpretation Standards. Collection method: curation. Allele origin: germline. Affected: yes.
Comment: ALPL c.920C>T is a missense variant that changes the amino acid at residue 307 from Proline to Leucine. This variant has been observed in multiple probands affected with hypophosphatasia (PMID:32973344;31793067;34164522;22397652;21342251;33579333;28436937). At least one functional study has demonstrated a substantial alteration in protein function relative to the wild-type (PMID:34164522;32160374). This variant has also been described as Pro290Leu in the literature. It is absent or not present at a significant frequency in gnomAD. In silico models agree that this variant is possibly or probably damaging. In conclusion, we classify ALPL p.Pro307Leu (c.920C>T) as a pathogenic variant.

Labcorp Genetics (formerly Invitae), Labcorp
Classification: Pathogenic. Last evaluated: 2024-10-09. Review status: criteria provided, single submitter. Criteria: Invitae Variant Classification Sherloc (09022015). Collection method: clinical testing. Allele origin: germline.
Comment: This sequence change replaces proline, which is neutral and non-polar, with leucine, which is neutral and non-polar, at codon 307 of the ALPL protein (p.Pro307Leu). This variant is present in population databases (rs768555495, gnomAD 0.002%). This missense change has been observed in individual(s) with hypophosphatasia (PMID: 21342251, 32160374, 32981126). In at least one individual the data is consistent with being in trans (on the opposite chromosome) from a pathogenic variant. ClinVar contains an entry for this variant (Variation ID: 287510). Invitae Evidence Modeling of protein sequence and biophysical properties (such as structural, functional, and spatial information, amino acid conservation, physicochemical variation, residue mobility, and thermodynamic stability) indicates that this missense variant is expected to disrupt ALPL protein function with a positive predictive value of 95%. For these reasons, this variant has been classified as Pathogenic.

Fulgent Genetics
Classification: Pathogenic for Adult hypophosphatasia; Infantile hypophosphatasia; Childhood hypophosphatasia. Last evaluated: 2024-04-07. Review status: criteria provided, single submitter. Criteria: ACMG Guidelines, 2015. Collection method: clinical testing. Allele origin: germline.

Baylor Genetics
Classification: Pathogenic for Adult hypophosphatasia. Last evaluated: 2023-08-31. Review status: criteria provided, single submitter. Criteria: ACMG Guidelines, 2015. Collection method: clinical testing. Allele origin: unknown.

Women's Health and Genetics/Laboratory Corporation of America, LabCorp
Classification: Pathogenic for Hypophosphatasia. Last evaluated: 2022-12-11. Review status: criteria provided, single submitter. Criteria: LabCorp Variant Classification Summary - May 2015. Collection method: clinical testing. Allele origin: germline.
Comment: Variant summary: ALPL c.920C>T (p.Pro307Leu) results in a non-conservative amino acid change located in the Calcium site domain (del Angel_2020) of the encoded protein sequence. Five of five in-silico tools predict a damaging effect of the variant on protein function. The variant allele was found at a frequency of 8e-06 in 251168 control chromosomes. c.920C>T has been reported in the literature in multiple individuals affected with Hypophosphatasia (Del Angel_2020). These data indicate that the variant is very likely to be associated with disease. At least one publication reports experimental evidence evaluating an impact on protein function. The most pronounced variant effect results in <10% of normal activity (Del Angel_2020). Two clinical diagnostic laboratories have submitted clinical-significance assessments for this variant to ClinVar after 2014 without evidence for independent evaluation. One laboratory classified the variant as pathogenic/likely pathogenic and one laboratory classified the variant as uncertain significance (presumably out dated classification). Based on the evidence outlined above, the variant was classified as pathogenic.

Eurofins Ntd Llc (ga)
Classification: Uncertain significance. Last evaluated: 2016-04-22. Review status: criteria provided, single submitter. Criteria: EGL Classification Definitions 2015. Collection method: clinical testing. Allele origin: germline. Observed: 1 variant allele, 1 heterozygote.

Literature cited by the submitters: PubMed 32973344 (cited by Genomenon, Inc); PubMed 31793067 (cited by Genomenon, Inc); PubMed 34164522 (cited by Genomenon, Inc); PubMed 22397652 (cited by Genomenon, Inc); PubMed 21342251 (cited by Genomenon, Inc and Labcorp Genetics (formerly Invitae), Labcorp); PubMed 33579333 (cited by Genomenon, Inc); PubMed 28436937 (cited by Genomenon, Inc); PubMed 32160374 (cited by 3 submitters); PubMed 32981126 (cited by Labcorp Genetics (formerly Invitae), Labcorp).

NM_000478.6(ALPL):c.920C>T (p.Pro307Leu)

Gene: ALPL (alkaline phosphatase, biomineralization associated; plus strand). Cytogenetic location: 1p36.12.
Variant type: single nucleotide variant.
Coding change: c.920C>T on transcript NM_000478.6 (MANE Select); coding-DNA position 920, C replaced by T.
Protein change: p.Pro307Leu; replaces proline 307 with leucine.
Molecular consequence: missense variant.
Genome position (GRCh38, 1-based): chr1:21,573,722, C>T. VCF-style: chr1-21573722-C-T. GRCh37 (hg19) VCF-style: chr1-21900215-C-T.
Other names: c.755C>T, p.Pro252Leu (NM_001127501.4); c.689C>T, p.Pro230Leu (NM_001177520.3); c.920C>T, p.Pro307Leu (NM_001369803.2, NM_001369804.2, NM_001369805.2); short protein forms P307L, P230L, P252L.
Identifiers: ClinVar variation 287510 (VCV000287510.13), dbSNP rs768555495, ClinGen allele CA666680.